The following is an entry in ClinVar:

NM_015559.3(SETBP1):c.3266C>T (p.Thr1089Ile)

Gene: SETBP1 (SET binding protein 1; plus strand). Cytogenetic location: 18q12.3.
Variant type: single nucleotide variant.
Coding change: c.3266C>T on transcript NM_015559.3 (MANE Select); coding-DNA position 3266, C replaced by T.
Protein change: p.Thr1089Ile; replaces threonine 1089 with isoleucine.
Molecular consequence: missense variant.
Genome position (GRCh38, 1-based): chr18:44,952,606, C>T. VCF-style: chr18-44952606-C-T. GRCh37 (hg19) VCF-style: chr18-42532571-C-T.
Other names: c.3266C>T, p.Thr1089Ile (NM_001379141.1, NM_001379142.1, NM_001410862.1); c.3266C>T (NM_015559.2); short protein forms T1089I.
Identifiers: ClinVar variation 2176436 (VCV002176436.6), dbSNP rs766521949, ClinGen allele CA299699201.

ClinVar aggregate classification (germline): Conflicting classifications of pathogenicity. Review status: criteria provided, conflicting classifications (1 of 4 stars). 3 submissions from 3 submitters: Uncertain significance (2); Likely benign (1). Last evaluated 2025-11-25.

Conditions:
Inborn genetic diseases. Identifiers: MedGen C0950123, MeSH D030342.

Allele frequency attached by ClinVar (database versions not stated): TOPMed below 0.00001; gnomAD exomes 0.00002.
gnomAD v4.1: 29 of 1,613,356 alleles (0.0018%); highest among the groups gnomAD compares: Non-Finnish European, 0.0025%; no homozygotes.

Submissions (3):

Ambry Genetics
Classification: Uncertain significance for Inborn genetic diseases. Last evaluated: 2025-11-25. Review status: criteria provided, single submitter. Criteria: Ambry Variant Classification Scheme 2023. Collection method: clinical testing. Allele origin: germline.

Labcorp Genetics (formerly Invitae), Labcorp
Classification: Uncertain significance. Last evaluated: 2024-05-29. Review status: criteria provided, single submitter. Criteria: Invitae Variant Classification Sherloc (09022015). Collection method: clinical testing. Allele origin: germline.
Comment: This sequence change replaces threonine, which is neutral and polar, with isoleucine, which is neutral and non-polar, at codon 1089 of the SETBP1 protein (p.Thr1089Ile). This variant is present in population databases (rs766521949, gnomAD 0.0009%). This variant has not been reported in the literature in individuals affected with SETBP1-related conditions. ClinVar contains an entry for this variant (Variation ID: 2176436). Advanced modeling of protein sequence and biophysical properties (such as structural, functional, and spatial information, amino acid conservation, physicochemical variation, residue mobility, and thermodynamic stability) performed at Invitae indicates that this missense variant is not expected to disrupt SETBP1 protein function with a negative predictive value of 80%. In summary, the available evidence is currently insufficient to determine the role of this variant in disease. Therefore, it has been classified as a Variant of Uncertain Significance.

Blueprint Genetics
Classification: Likely benign. Last evaluated: 2021-02-19. Review status: criteria provided, single submitter. Criteria: ACMG Guidelines, 2015. Collection method: clinical testing. Allele origin: germline.